The following is an entry in ClinVar:

NM_000059.4(BRCA2):c.2879dup (p.Gln961fs)

Gene: BRCA2 (BRCA2 DNA repair associated; plus strand). Cytogenetic location: 13q13.1.
Variant type: Duplication.
Coding change: c.2879dup on transcript NM_000059.4 (MANE Select); coding-DNA position 2879, one base duplicated (A; older notation c.2879dupA).
Protein change: p.Gln961fs; shifts the reading frame from glutamine 961.
Molecular consequence: frameshift variant. On other transcripts: non-coding transcript variant (1), intron variant (2).
Genome position (GRCh38, 1-based): chr13:32,337,234, A duplicated; the last of 3 consecutive A bases (chr13:32,337,232-32,337,234); duplicating any one gives the same sequence. VCF-style (leftmost placement, unchanged base first): chr13-32337231-T-TA. GRCh37 (hg19) VCF-style: chr13-32911368-T-TA.
Other names: c.2879dupA (NM_000059.4); c.2879dup, p.Gln961fs (NM_001406719.1, NM_001406720.1, NM_001432077.1); c.1909+3847dup (NM_001406721.1); c.424+6204dup (NM_001406722.1); short protein forms Q961fs.
Identifiers: ClinVar variation 4735717 (VCV004735717.3).

ClinVar aggregate classification (germline): Pathogenic. Review status: criteria provided, multiple submitters, no conflicts (2 of 4 stars). 3 submissions from 3 submitters: Pathogenic (3). Last evaluated 2026-03-23.

Conditions:
Breast-ovarian cancer, familial, susceptibility to, 2 (BROVCA2). Also called: BRCA2 Hereditary Breast and Ovarian Cancer. Identifiers: Orphanet 145, MedGen C2675520, MONDO:0012933, OMIM 612555. Disease mechanism: loss of function.
Hereditary breast ovarian cancer syndrome. Also called: Breast and ovarian cancer; Hereditary breast and ovarian cancer; Hereditary breast and/or ovarian cancer syndrome; BRCA1- and BRCA2-Associated Hereditary Breast and Ovarian Cancer; Hereditary breast and ovarian cancer syndrome; Hereditary breast and ovarian cancer syndrome (HBOC). Identifiers: Orphanet 145, MedGen C0677776, MeSH D061325, MONDO:0003582. Disease mechanism: loss of function.

Submissions (3):

Women's Health and Genetics/Laboratory Corporation of America, LabCorp
Classification: Pathogenic for Hereditary breast ovarian cancer syndrome. Last evaluated: 2026-03-23. Review status: criteria provided, single submitter. Criteria: LabCorp Variant Classification Summary - May 2015. Collection method: clinical testing. Allele origin: germline.
Comment: Variant summary: BRCA2 c.2879dupA (p.Gln961AlafsX21) results in a premature termination codon, predicted to cause a truncation of the encoded protein or absence of the protein due to nonsense mediated decay, which are commonly known mechanisms for disease. The variant was absent in 249134 control chromosomes. To our knowledge, no occurrence of c.2879dupA in individuals affected with BRCA2-related conditions and no experimental evidence demonstrating its impact on protein function have been reported. No submitters have cited clinical-significance assessments for this variant to ClinVar. Based on the evidence outlined above, the variant was classified as pathogenic.

Labcorp Genetics (formerly Invitae), Labcorp
Classification: Pathogenic for Hereditary breast ovarian cancer syndrome. Last evaluated: 2026-01-19. Review status: criteria provided, single submitter. Criteria: Invitae Variant Classification Sherloc (09022015). Collection method: clinical testing. Allele origin: germline.
Comment: This sequence change creates a premature translational stop signal (p.Gln961Alafs*21) in the BRCA2 gene. It is expected to result in an absent or disrupted protein product. Loss-of-function variants in BRCA2 are known to be pathogenic (PMID: 20104584). This variant is not present in population databases (gnomAD no frequency). This variant has not been reported in the literature in individuals affected with BRCA2-related conditions. For these reasons, this variant has been classified as Pathogenic.

Myriad Genetics, Inc.
Classification: Pathogenic for Breast-ovarian cancer, familial, susceptibility to, 2. Last evaluated: 2025-10-27. Review status: criteria provided, single submitter. Criteria: Myriad Autosomal Dominant, Autosomal Recessive and X-Linked Classification Criteria (2023). Collection method: clinical testing. Allele origin: unknown.
Comment: This variant is considered pathogenic. This variant creates a frameshift predicted to result in premature protein truncation.

Literature cited by the submitters: PubMed 20104584 (cited by Labcorp Genetics (formerly Invitae), Labcorp).